The following is an entry in ClinVar:

NM_001130987.2(DYSF):c.341del (p.Thr114fs)

Gene: DYSF (dysferlin; plus strand). Cytogenetic location: 2p13.2.
Variant type: Deletion.
Coding change: c.341del on transcript NM_001130987.2 (MANE Select); coding-DNA position 341, one base deleted (C; older notation c.341delC).
Protein change: p.Thr114fs; shifts the reading frame from threonine 114.
Molecular consequence: frameshift variant.
Genome position (GRCh38, 1-based): chr2:71,503,315, C deleted. VCF-style (leftmost placement, unchanged base first): chr2-71503314-AC-A. GRCh37 (hg19) VCF-style: chr2-71730444-AC-A.
Other names: c.341del, p.Thr114fs (NM_001130983.2, NM_001130984.2, NM_001130985.2 and 3 more transcripts); c.338del, p.Thr113fs (NM_003494.4, NM_001130976.2, NM_001130977.2 and 4 more transcripts); short protein forms T113fs, T114fs.
Identifiers: ClinVar variation 2112682 (VCV002112682.4), dbSNP rs2545295699, ClinGen allele CA2580067779.

ClinVar aggregate classification (germline): Pathogenic (1 of 4 stars; one submission).

Conditions:
Neuromuscular disease caused by qualitative or quantitative defects of dysferlin. Also called: Qualitative or quantitative defects of dysferlin; Dysferlinopathy. Identifiers: Orphanet 207073, MedGen C2931687, MONDO:0016145.

Submission:

Labcorp Genetics (formerly Invitae), Labcorp
Classification: Pathogenic for Neuromuscular disease caused by qualitative or quantitative defects of dysferlin. Last evaluated: 2022-03-15. Review status: criteria provided, single submitter. Criteria: Invitae Variant Classification Sherloc (09022015). Collection method: clinical testing. Allele origin: germline.
Comment: For these reasons, this variant has been classified as Pathogenic. This variant has not been reported in the literature in individuals affected with DYSF-related conditions. This variant is not present in population databases (gnomAD no frequency). This sequence change creates a premature translational stop signal (p.Thr113Lysfs*38) in the DYSF gene. It is expected to result in an absent or disrupted protein product. Loss-of-function variants in DYSF are known to be pathogenic (PMID: 17698709, 20301480).

Literature cited by the submitters: PubMed 17698709; PubMed 20301480.